The following is an entry in ClinVar:

NM_000202.8(IDS):c.1506G>C (p.Trp502Cys)

Gene: IDS (iduronate 2-sulfatase; minus strand). Cytogenetic location: Xq28.
Variant type: single nucleotide variant.
Coding change: c.1506G>C on transcript NM_000202.8 (MANE Select); coding-DNA position 1506, G replaced by C.
Protein change: p.Trp502Cys; replaces tryptophan 502 with cysteine.
Molecular consequence: missense variant.
Genome position (GRCh38, 1-based): chrX:149,482,893, C>G on the plus strand (G>C on the coding strand, the complement: IDS is on the minus strand). VCF-style: chrX-149482893-C-G. GRCh37 (hg19) VCF-style: chrX-148564424-C-G.
Other names: c.1236G>C, p.Trp412Cys (NM_001166550.4); short protein forms W412C, W502C.
Identifiers: ClinVar variation 3256077 (VCV003256077.2).

ClinVar aggregate classification (germline): Pathogenic (1 of 4 stars; one submission).

Conditions:
Mucopolysaccharidosis, MPS-II (MPS2). Also called: Hunter Syndrome; IDURONATE 2-SULFATASE DEFICIENCY; Mucopolysaccharidosis Type II; Mucopolysaccharidosis type 2; Attenuated MPS (subtype; formerly known as mild MPS II); Severe MPS II. Identifiers: Orphanet 580, Orphanet 79388, MedGen C0026705, MONDO:0010674, OMIM 309900.

Submission:

Laboratory of Diagnosis and Therapy of Lysosomal Disorders, University of Padova
Classification: Pathogenic for Mucopolysaccharidosis, MPS-II. Last evaluated: 2024-06-07. Review status: criteria provided, single submitter. Criteria: ACMG Guidelines, 2015. Collection method: literature only. Allele origin: germline. Affected: yes. Observed: 2 variant alleles.
Comment: Absent from controls (or at low frequency) in gnomAD database (PM2_Moderate), Missense change at the same amino acid residue as a pathogenic variant (PM5_Moderate), Missense variant in a gene with a low rate of benign missense variation (PP2_Supporting), Multiple lines of computational evidence support a deleterious effect (PP3_Supporting), Patient’s phenotype or family history highly specific for the disease (PP4_Strong)

Classification method: ACMG Guidelines [PMID:25741868] with modifications

Literature cited by the submitters: PubMed 18500569; PubMed 22976768.